The following is an entry in ClinVar:

ClinVar aggregate classification (germline): Uncertain significance. Review status: criteria provided, single submitter (1 of 4 stars). 2 submissions from 2 submitters: Uncertain significance (1). 1 of the submissions does not count toward it. Last evaluated 2022-02-10.

Conditions:
Leukoencephalopathy, progressive, with ovarian failure (LKENP). Identifiers: Orphanet 99853, MedGen C4014588, MONDO:0014387, OMIM 615889.

Allele frequency attached by ClinVar (database versions not stated): gnomAD 0.00001; TOPMed 0.00001; ExAC 0.00002; gnomAD exomes 0.00002 and 0.00003.

Submissions (2):

Women's Health and Genetics/Laboratory Corporation of America, LabCorp
Classification: Uncertain significance. Last evaluated: 2022-02-10. Review status: criteria provided, single submitter. Criteria: LabCorp Variant Classification Summary - May 2015. Collection method: clinical testing. Allele origin: germline.
Comment: Variant summary: AARS2 c.1213G>A (p.Glu405Lys) results in a conservative amino acid change located in the Alanyl-tRNA synthetase, class IIc, N-terminal domain (IPR018164) of the encoded protein sequence. Four of five in-silico tools predict a damaging effect of the variant on protein function. The variant allele was found at a frequency of 1.6e-05 in 251430 control chromosomes (gnomAD). c.1213G>A has been reported in the literature in two compound heterozygous individuals affected with leukodystrophy (Dallabona_2014, Roux_2021). These data indicate that the variant may be associated with disease. One in silico study using homology modelling suggests that the variant may reduce aminoacylation activity, although this prediction has not been verified by in vitro functional studies, or in vivo enzyme activity measurements in patient derived cells. No clinical diagnostic laboratories have submitted clinical-significance assessments for this variant to ClinVar after 2014. Based on the evidence outlined above, the variant was classified as VUS-possibly pathogenic.

OMIM
Classification: Pathogenic for LEUKOENCEPHALOPATHY, PROGRESSIVE, WITH OVARIAN FAILURE. Last evaluated: 2014-06-10. Review status: no assertion criteria provided. Collection method: literature only. Allele origin: germline. Not counted in ClinVar's aggregate classification.

Literature cited by the submitters: PubMed 24808023 (cited by Women's Health and Genetics/Laboratory Corporation of America, LabCorp and OMIM); PubMed 25705216 (cited by Women's Health and Genetics/Laboratory Corporation of America, LabCorp); PubMed 33972171 (cited by Women's Health and Genetics/Laboratory Corporation of America, LabCorp).

NM_020745.4(AARS2):c.1213G>A (p.Glu405Lys)

Gene: AARS2 (alanyl-tRNA synthetase 2, mitochondrial; minus strand). Cytogenetic location: 6p21.1.
Variant type: single nucleotide variant.
Coding change: c.1213G>A on transcript NM_020745.4 (MANE Select); coding-DNA position 1213, G replaced by A.
Protein change: p.Glu405Lys; replaces glutamic acid 405 with lysine.
Molecular consequence: missense variant.
Genome position (GRCh38, 1-based): chr6:44,306,367, C>T on the plus strand (G>A on the coding strand, the complement: AARS2 is on the minus strand). VCF-style: chr6-44306367-C-T. GRCh37 (hg19) VCF-style: chr6-44274104-C-T.
Other names: short protein forms E405K.
Identifiers: ClinVar variation 143048 (VCV000143048.2), dbSNP rs587777592, ClinGen allele CA170068.